The following is an entry in ClinVar:

ClinVar aggregate classification (germline): Uncertain significance (1 of 4 stars; one submission).

Conditions:
Intellectual developmental disorder, autosomal dominant 1. Also called: MBD5 Haploinsufficiency; Intellectual disability, autosomal dominant 1. Identifiers: Orphanet 228402, MedGen C1969562, MONDO:0007974, OMIM 156200.

Submission:

Labcorp Genetics (formerly Invitae), Labcorp
Classification: Uncertain significance for Intellectual developmental disorder, autosomal dominant 1. Last evaluated: 2024-08-21. Review status: criteria provided, single submitter. Criteria: Invitae Variant Classification Sherloc (09022015). Collection method: clinical testing. Allele origin: germline.
Comment: This sequence change replaces threonine, which is neutral and polar, with isoleucine, which is neutral and non-polar, at codon 448 of the MBD5 protein (p.Thr448Ile). This variant is not present in population databases (gnomAD no frequency). This variant has not been reported in the literature in individuals affected with MBD5-related conditions. Invitae Evidence Modeling of protein sequence and biophysical properties (such as structural, functional, and spatial information, amino acid conservation, physicochemical variation, residue mobility, and thermodynamic stability) indicates that this missense variant is not expected to disrupt MBD5 protein function with a negative predictive value of 80%. In summary, the available evidence is currently insufficient to determine the role of this variant in disease. Therefore, it has been classified as a Variant of Uncertain Significance.

NM_001378120.1(MBD5):c.1343C>T (p.Thr448Ile)

Gene: MBD5 (methyl-CpG binding domain protein 5; plus strand). Cytogenetic location: 2q23.1.
Variant type: single nucleotide variant.
Coding change: c.1343C>T on transcript NM_001378120.1 (MANE Select); coding-DNA position 1343, C replaced by T.
Protein change: p.Thr448Ile; replaces threonine 448 with isoleucine.
Molecular consequence: missense variant.
Genome position (GRCh38, 1-based): chr2:148,469,286, C>T. VCF-style: chr2-148469286-C-T. GRCh37 (hg19) VCF-style: chr2-149226855-C-T.
Other names: c.1343C>T, p.Thr448Ile (NM_018328.5); short protein forms T448I.
Identifiers: ClinVar variation 3663165 (VCV003663165.2).